The following is an entry in ClinVar:

ClinVar aggregate classification (germline): Conflicting classifications of pathogenicity. Review status: criteria provided, conflicting classifications (1 of 4 stars). 6 submissions from 6 submitters: Pathogenic (1); Likely pathogenic (4); Uncertain significance (1). Last evaluated 2025-09-08.

Conditions:
Inborn genetic diseases. Identifiers: MedGen C0950123, MeSH D030342.
Acyl-CoA dehydrogenase 9 deficiency. Also called: Acyl-CoA dehydrogenase family, member 9, deficiency of; MITOCHONDRIAL COMPLEX I DEFICIENCY, NUCLEAR TYPE 20. Identifiers: Orphanet 99901, MedGen C4747517, MONDO:0012624, OMIM 611126.

Allele frequency attached by ClinVar (database versions not stated): gnomAD exomes below 0.00001; TOPMed below 0.00001.
gnomAD v4.1: 2 of 1,614,122 alleles (0.00012%); highest among the groups gnomAD compares: Admixed American, 0.0017%; no homozygotes.

Submissions (6):

Labcorp Genetics (formerly Invitae), Labcorp
Classification: Pathogenic. Last evaluated: 2025-09-08. Review status: criteria provided, single submitter. Criteria: Invitae Variant Classification Sherloc (09022015). Collection method: clinical testing. Allele origin: germline.
Comment: This sequence change replaces proline, which is neutral and non-polar, with serine, which is neutral and polar, at codon 616 of the ACAD9 protein (p.Pro616Ser). This variant is present in population databases (no rsID available, gnomAD 0.003%). This missense change has been observed in individual(s) with clinical features of mitochondrial complex I deficiency (PMID: 25326637, 30831263). In at least one individual the data is consistent with being in trans (on the opposite chromosome) from a pathogenic variant. ClinVar contains an entry for this variant (Variation ID: 242523). Invitae Evidence Modeling of protein sequence and biophysical properties (such as structural, functional, and spatial information, amino acid conservation, physicochemical variation, residue mobility, and thermodynamic stability) indicates that this missense variant is expected to disrupt ACAD9 protein function with a positive predictive value of 80%. For these reasons, this variant has been classified as Pathogenic.

Natera, Inc.
Classification: Likely pathogenic for ACAD9 deficiency. Last evaluated: 2025-04-30. Review status: criteria provided, single submitter. Criteria: Natera Variant Classification Schema (03/2026). Collection method: clinical testing. Allele origin: germline.
Comment: The c.1846C>T variant in ACAD9 is a missense variant predicted to cause substitution of proline to serine at amino acid 616. This variant is rare in the general population with a frequency below the threshold expected for the associated phenotype(s). This variant has been observed in one or more individuals affected with the associated recessive disease, as either homozygous or compound heterozygous with a second variant (PMID: 30831263, 25326637). Computational prediction algorithms indicate this variant is likely to affect gene or protein function. Given the available evidence, this variant is classified as Likely Pathogenic.

Laboratorio de Genetica e Diagnostico Molecular, Hospital Israelita Albert Einstein
Classification: Likely pathogenic for Acyl-CoA dehydrogenase 9 deficiency. Last evaluated: 2024-09-08. Review status: criteria provided, single submitter. Criteria: ACMG Guidelines, 2015. Collection method: clinical testing. Allele origin: germline. Affected: yes.
Comment: ACMG classification criteria: PM2 supporting, PM3 strong, PP3 supporting

Baylor Genetics
Classification: Likely pathogenic for Acyl-CoA dehydrogenase 9 deficiency. Last evaluated: 2023-03-06. Review status: criteria provided, single submitter. Criteria: ACMG Guidelines, 2015. Collection method: clinical testing. Allele origin: unknown.

Ambry Genetics
Classification: Uncertain significance for Inborn genetic diseases. Last evaluated: 2022-08-17. Review status: criteria provided, single submitter. Criteria: Ambry Variant Classification Scheme 2023. Collection method: clinical testing. Allele origin: germline.
Comment: The c.1846C>T (p.P616S) alteration is located in exon 18 (coding exon 18) of the ACAD9 gene. This alteration results from a C to T substitution at nucleotide position 1846, causing the proline (P) at amino acid position 616 to be replaced by a serine (S). Based on data from gnomAD, the T allele has an overall frequency of <0.001% (1/251486) total alleles studied. The highest observed frequency was 0.003% (1/34592) of Latino alleles. This variant was identified in one individual with cardiomyopathy, lactic acidosis, complex I deficiency on muscle biopsy, and a second ACAD9 variant in trans (Nogueira, 2019). It was also in trans with a second ACAD9 variant in an individual with lactic acidosis, metabolic acidosis, encephalopathy, developmental delay, and emesis (Lee, 2014). This amino acid position is highly conserved in available vertebrate species. The in silico prediction for this alteration is inconclusive. Based on insufficient or conflicting evidence, the clinical significance of this alteration remains unclear.

Fulgent Genetics
Classification: Likely pathogenic for Acyl-CoA dehydrogenase 9 deficiency. Last evaluated: 2021-08-26. Review status: criteria provided, single submitter. Criteria: ACMG Guidelines, 2015. Collection method: clinical testing. Allele origin: unknown.

Literature cited by the submitters: PubMed 25326637 (cited by 3 submitters); PubMed 30831263 (cited by 3 submitters).

NM_014049.5(ACAD9):c.1846C>T (p.Pro616Ser)

Genes: ACAD9 (acyl-CoA dehydrogenase family member 9; plus strand), CFAP92 (cilia and flagella associated protein 92 (putative); minus strand). Cytogenetic location: 3q21.3.
Variant type: single nucleotide variant.
Coding change: c.1846C>T on transcript NM_014049.5 (MANE Select); coding-DNA position 1846, C replaced by T.
Protein change: p.Pro616Ser; replaces proline 616 with serine.
Molecular consequence: missense variant. On other transcripts: non-coding transcript variant (1), intron variant (3).
Genome position (GRCh38, 1-based): chr3:128,912,587, C>T. VCF-style: chr3-128912587-C-T. GRCh37 (hg19) VCF-style: chr3-128631430-C-T.
Other names: c.1477C>T, p.Pro493Ser (NM_001410805.1); c.2312-2254G>A (NM_001348521.2); c.2408-2254G>A (NM_001348520.2); c.3281-2254G>A (NM_001394090.1); short protein forms P616S, P493S.
Identifiers: ClinVar variation 242523 (VCV000242523.13), dbSNP rs863224845, ClinGen allele CA353806.
Genomic context (GRCh38, chr3:128,912,587, plus strand): 5'-GAGCAGATTAAGAAAGTGTCCCAGCAGATCCTTGAGAAGCGAGCCTATATCTGTGCCCAC[C>T]CTCTGGACAGGACATGCTGAGGCAGGGGACAGTGTCCCCTGCTACCGCCCGCCCCTACCC-3'
Protein context (NP_054768.2, residues 606-621): LEKRAYICAH[Pro616Ser]LDRTC